The following is an entry in ClinVar:

ClinVar aggregate classification (germline): Benign (1 of 4 stars; one submission).

gnomAD v4.1: 1,114 of 1,558,162 alleles (0.071%); highest among the groups gnomAD compares: South Asian, 1.2%; 12 homozygotes.

Submission:

CeGaT Center for Human Genetics Tuebingen
Classification: Benign. Last evaluated: 2026-07-01. Review status: criteria provided, single submitter. Criteria: CeGaT Center For Human Genetics Tuebingen Variant Classification Criteria Version 2. Collection method: clinical testing. Allele origin: germline. Affected: yes. Observed: 1 variant allele.
Comment: RIMS2: BP4, BS1, BS2

NM_001348484.3(RIMS2):c.3620G>A (p.Arg1207His)

Gene: RIMS2 (regulating synaptic membrane exocytosis 2; plus strand). Cytogenetic location: 8q22.3.
Variant type: single nucleotide variant.
Coding change: c.3620G>A on transcript NM_001348484.3 (MANE Select); coding-DNA position 3620, G replaced by A.
Protein change: p.Arg1207His; replaces arginine 1207 with histidine.
Molecular consequence: missense variant. On other transcripts: intron variant (22), non-coding transcript variant (1).
Genome position (GRCh38, 1-based): chr8:104,068,539, G>A. VCF-style: chr8-104068539-G-A. GRCh37 (hg19) VCF-style: chr8-105080767-G-A.
Other names: c.3364+53924G>A (NM_001348487.2); c.3331+53083G>A (NM_001348492.2); c.3298+53924G>A (NM_001348496.2); c.3505+53924G>A (NM_001348486.2); c.3361+53083G>A (NM_001348495.2); c.3334+53924G>A (NM_001100117.3); c.3286+53924G>A (NM_001348493.2); c.3106+53924G>A (NM_001348485.2); and 22 more; short protein forms R1111H, R1120H, R1149H, R1158H, R1160H, R1207H, R875H, R924H.
Identifiers: ClinVar variation 5038889 (VCV005038889.1).
Genomic context (GRCh38, chr8:104,068,539, plus strand): 5'-CATTAATTTTATGGGTTTTTTTCTACTCGATAGGTACTATGGATATAGAGGAGAGAAATC[G>A]CCAAATGAAAATTAACAAATACAAACAGGTAGCCGGATCAGATCCCAGACTGGAACAAGA-3'
Protein context (NP_001335413.1, residues 1197-1217): AGTMDIEERN[Arg1207His]QMKINKYKQV